The following is an entry in ClinVar:

NM_001386795.1(DTNA):c.177A>G (p.Ile59Met)

Gene: DTNA (dystrobrevin alpha; plus strand). Cytogenetic location: 18q12.1.
Variant type: single nucleotide variant.
Coding change: c.177A>G on transcript NM_001386795.1 (MANE Select); coding-DNA position 177, A replaced by G.
Protein change: p.Ile59Met; replaces isoleucine 59 with methionine.
Molecular consequence: missense variant.
Genome position (GRCh38, 1-based): chr18:34,794,065, A>G. VCF-style: chr18-34794065-A-G. GRCh37 (hg19) VCF-style: chr18-32374029-A-G.
Other names: c.177A>G, p.Ile59Met (NM_001128175.2, NM_001198938.2, NM_001198939.2 and 35 more transcripts); short protein forms I59M.
Identifiers: ClinVar variation 374197 (VCV000374197.16), dbSNP rs1057518968, ClinGen allele CA16043543.

ClinVar aggregate classification (germline): Conflicting classifications of pathogenicity. Review status: criteria provided, conflicting classifications (1 of 4 stars). 4 submissions from 3 submitters: Likely pathogenic (2); Uncertain significance (2). Last evaluated 2025-11-08.

Conditions:
Left ventricular noncompaction 1 (LVNC1). Also called: LEFT VENTRICULAR NONCOMPACTION 1 WITH OR WITHOUT CONGENITAL HEART DEFECTS. Identifiers: Orphanet 54260, MedGen C1858725, MONDO:0011403, OMIM 604169.
Cardiac arrhythmia. Also called: Arrhythmia; Cardiac rhythm disease. Identifiers: MedGen C0003811, MONDO:0007263, HP:0011675.
Noncompaction cardiomyopathy. Identifiers: MedGen C1839832, HP:0012817.

Allele frequency attached by ClinVar (database versions not stated): TOPMed below 0.00001; gnomAD exomes 0.00001; gnomAD 0.00002.
gnomAD v4.1: 15 of 1,613,990 alleles (0.00093%); highest among the groups gnomAD compares: Non-Finnish European, 0.0012%; no homozygotes.

Submissions (4):

Ambry Genetics
Classification: Uncertain significance. Last evaluated: 2025-11-08. Review status: criteria provided, single submitter. Criteria: Ambry Variant Classification Scheme 2023. Collection method: clinical testing. Allele origin: germline.

Labcorp Genetics (formerly Invitae), Labcorp
Classification: Uncertain significance for Left ventricular noncompaction 1. Last evaluated: 2025-06-27. Review status: criteria provided, single submitter. Criteria: Invitae Variant Classification Sherloc (09022015). Collection method: clinical testing. Allele origin: germline.
Comment: This sequence change replaces isoleucine, which is neutral and non-polar, with methionine, which is neutral and non-polar, at codon 59 of the DTNA protein (p.Ile59Met). This variant is present in population databases (no rsID available, gnomAD 0.004%). This missense change has been observed in individual(s) with clinical features of DTNA-related conditions (PMID: 21520333). ClinVar contains an entry for this variant (Variation ID: 374197). Invitae Evidence Modeling of protein sequence and biophysical properties (such as structural, functional, and spatial information, amino acid conservation, physicochemical variation, residue mobility, and thermodynamic stability) indicates that this missense variant is not expected to disrupt DTNA protein function with a negative predictive value of 80%. In summary, the available evidence is currently insufficient to determine the role of this variant in disease. Therefore, it has been classified as a Variant of Uncertain Significance.

Centre for Mendelian Genomics, University Medical Centre Ljubljana
Classification: Likely pathogenic for Left ventricular noncompaction 1. Last evaluated: 2016-01-01. Review status: criteria provided, single submitter. Criteria: ACMG Guidelines, 2015. Collection method: clinical testing. Allele origin: unknown. Affected: yes.
Comment: This variant was classified as: Likely pathogenic.

Centre for Mendelian Genomics, University Medical Centre Ljubljana
Classification: Likely pathogenic for Cardiac arrhythmia; Noncompaction cardiomyopathy. Last evaluated: 2013-12-13. Review status: criteria provided, single submitter. Criteria: ACMG Guidelines, 2015. Collection method: clinical testing. Allele origin: unknown. Affected: yes.

Literature cited by the submitters: PubMed 21520333 (cited by Labcorp Genetics (formerly Invitae), Labcorp).